The following is an entry in ClinVar:

ClinVar aggregate classification (germline): Uncertain significance. Review status: criteria provided, multiple submitters, no conflicts (2 of 4 stars). 2 submissions from 2 submitters: Uncertain significance (2). Last evaluated 2025-09-10.

Conditions:
Acrodysostosis 1 with or without hormone resistance (ACRDYS1). Also called: ACRODYSOSTOSIS 1 WITH HORMONE RESISTANCE; ACRODYSOSTOSIS 1 WITHOUT HORMONE RESISTANCE; ACRODYSOSTOSIS WITH HORMONE RESISTANCE. Identifiers: Orphanet 280651, MedGen C3276228, MONDO:0007044, OMIM 101800.
Carney complex, type 1 (CNC1). Also called: CARNEY MYXOMA-ENDOCRINE COMPLEX; CARNEY COMPLEX, TYPE I. Identifiers: Orphanet 1359, MedGen C2607929, MONDO:0008057, OMIM 160980.

Submissions (2):

Labcorp Genetics (formerly Invitae), Labcorp
Classification: Uncertain significance for Carney complex, type 1. Last evaluated: 2025-09-10. Review status: criteria provided, single submitter. Criteria: Invitae Variant Classification Sherloc (09022015). Collection method: clinical testing. Allele origin: germline.
Comment: This sequence change replaces asparagine, which is neutral and polar, with tyrosine, which is neutral and polar, at codon 188 of the PRKAR1A protein (p.Asn188Tyr). This variant is not present in population databases (gnomAD no frequency). This variant has not been reported in the literature in individuals affected with PRKAR1A-related conditions. ClinVar contains an entry for this variant (Variation ID: 2678066). Invitae Evidence Modeling of protein sequence and biophysical properties (such as structural, functional, and spatial information, amino acid conservation, physicochemical variation, residue mobility, and thermodynamic stability) has been performed for this missense variant. However, the output from this modeling did not meet the statistical confidence thresholds required to predict the impact of this variant on PRKAR1A protein function. In summary, the available evidence is currently insufficient to determine the role of this variant in disease. Therefore, it has been classified as a Variant of Uncertain Significance.

Baylor Genetics
Classification: Uncertain significance for Acrodysostosis 1 with or without hormone resistance. Last evaluated: 2023-10-04. Review status: criteria provided, single submitter. Criteria: ACMG Guidelines, 2015. Collection method: clinical testing. Allele origin: unknown.

NM_002734.5(PRKAR1A):c.562A>T (p.Asn188Tyr)

Gene: PRKAR1A (protein kinase cAMP-dependent type I regulatory subunit alpha; plus strand). Cytogenetic location: 17q24.2.
Variant type: single nucleotide variant.
Coding change: c.562A>T on transcript NM_002734.5 (MANE Select); coding-DNA position 562, A replaced by T.
Protein change: p.Asn188Tyr; replaces asparagine 188 with tyrosine.
Molecular consequence: missense variant.
Genome position (GRCh38, 1-based): chr17:68,525,766, A>T. VCF-style: chr17-68525766-A-T. GRCh37 (hg19) VCF-style: chr17-66521907-A-T.
Other names: c.562A>T, p.Asn188Tyr (NM_001276289.2, NM_001276290.1, NM_001278433.2 and 4 more transcripts); short protein forms N188Y.
Identifiers: ClinVar variation 2678066 (VCV002678066.4), dbSNP rs2509418624, ClinGen allele CA400753076.